The following is an entry in ClinVar:

NM_001039.4(SCNN1G):c.1808C>G (p.Pro603Arg)

Gene: SCNN1G (sodium channel epithelial 1 subunit gamma; plus strand). Cytogenetic location: 16p12.2.
Variant type: single nucleotide variant.
Coding change: c.1808C>G on transcript NM_001039.4 (MANE Select); coding-DNA position 1808, C replaced by G.
Protein change: p.Pro603Arg; replaces proline 603 with arginine.
Molecular consequence: missense variant.
Genome position (GRCh38, 1-based): chr16:23,215,327, C>G. VCF-style: chr16-23215327-C-G. GRCh37 (hg19) VCF-style: chr16-23226648-C-G.
Other names: p.Pro603Arg; short protein forms P603R.
Identifiers: ClinVar variation 2435778 (VCV002435778.7), dbSNP rs1349054540, ClinGen allele CA395103776.

ClinVar aggregate classification (germline): Uncertain significance. Review status: criteria provided, multiple submitters, no conflicts (2 of 4 stars). 4 submissions from 4 submitters: Uncertain significance (4). Last evaluated 2025-09-16.

Conditions:
Bronchiectasis with or without elevated sweat chloride 3 (BESC3). Identifiers: Orphanet 60033, MedGen C2751324, MONDO:0013112, OMIM 613071.
Liddle syndrome 2. Identifiers: MedGen C4748251, MONDO:0020854, OMIM 618114.
Pseudohypoaldosteronism, type IB3, autosomal recessive (PHA1B3). Identifiers: MedGen C5774256, MONDO:0859318, OMIM 620126.

Allele frequency attached by ClinVar (database versions not stated): TOPMed below 0.00001; gnomAD exomes 0.00001.
gnomAD v4.1: 20 of 1,614,138 alleles (0.0012%); highest among the groups gnomAD compares: Non-Finnish European, 0.0017%; no homozygotes.

Submissions (4):

Labcorp Genetics (formerly Invitae), Labcorp
Classification: Uncertain significance. Last evaluated: 2025-09-16. Review status: criteria provided, single submitter. Criteria: Invitae Variant Classification Sherloc (09022015). Collection method: clinical testing. Allele origin: germline.
Comment: This sequence change replaces proline, which is neutral and non-polar, with arginine, which is basic and polar, at codon 603 of the SCNN1G protein (p.Pro603Arg). This variant is not present in population databases (gnomAD no frequency). This variant has not been reported in the literature in individuals affected with SCNN1G-related conditions. ClinVar contains an entry for this variant (Variation ID: 2435778). An algorithm developed to predict the effect of missense changes on protein structure and function (PolyPhen-2) suggests that this variant is likely to be disruptive. In summary, the available evidence is currently insufficient to determine the role of this variant in disease. Therefore, it has been classified as a Variant of Uncertain Significance.

Mayo Clinic Laboratories, Mayo Clinic
Classification: Uncertain significance. Last evaluated: 2024-12-24. Review status: criteria provided, single submitter. Criteria: ACMG Guidelines, 2015. Collection method: clinical testing. Allele origin: germline. Observed: 1 variant allele.
Comment: PM2_supporting

Fulgent Genetics
Classification: Uncertain significance for Bronchiectasis with or without elevated sweat chloride 3; Liddle syndrome 2; Pseudohypoaldosteronism, type IB3, autosomal recessive. Last evaluated: 2024-02-13. Review status: criteria provided, single submitter. Criteria: ACMG Guidelines, 2015. Collection method: clinical testing. Allele origin: germline.

Revvity Omics, Revvity
Classification: Uncertain significance. Last evaluated: 2022-01-24. Review status: criteria provided, single submitter. Criteria: ACMG Guidelines, 2015. Collection method: clinical testing. Allele origin: germline.